The following is an entry in ClinVar:

NM_004612.4(TGFBR1):c.602T>C (p.Ile201Thr)

Gene: TGFBR1 (transforming growth factor beta receptor 1; plus strand). Cytogenetic location: 9q22.33.
Variant type: single nucleotide variant.
Coding change: c.602T>C on transcript NM_004612.4 (MANE Select); coding-DNA position 602, T replaced by C.
Protein change: p.Ile201Thr; replaces isoleucine 201 with threonine.
Molecular consequence: missense variant. On other transcripts: non-coding transcript variant (4), intron variant (2).
Genome position (GRCh38, 1-based): chr9:99,137,886, T>C. VCF-style: chr9-99137886-T-C. GRCh37 (hg19) VCF-style: chr9-101900168-T-C.
Other names: c.371T>C, p.Ile124Thr (NM_001130916.3); c.614T>C, p.Ile205Thr (NM_001306210.2, NM_001407416.1); c.602T>C, p.Ile201Thr (NM_001407417.1); c.407T>C, p.Ile136Thr (NM_001407418.1, NM_001407419.1, NM_001407420.1 and 1 more transcripts); c.395T>C, p.Ile132Thr (NM_001407423.1, NM_001407424.1, NM_001407425.1 and 8 more transcripts); c.356T>C, p.Ile119Thr (NM_001407436.1); c.125T>C, p.Ile42Thr (NM_001407438.1); c.575-4650T>C (NM_001407435.1); and 1 more; short protein forms I124T, I132T, I205T, I42T, I119T, I136T, I201T.
Identifiers: ClinVar variation 2818846 (VCV002818846.3), dbSNP rs2118708923, ClinGen allele CA374229394.

ClinVar aggregate classification (germline): Uncertain significance (1 of 4 stars; one submission).

Conditions:
Familial thoracic aortic aneurysm and aortic dissection (TAAD). Also called: Thoracic aortic aneurysms and dissections. Identifiers: Orphanet 91387, MedGen C4707243, MONDO:0019625.

Submission:

Labcorp Genetics (formerly Invitae), Labcorp
Classification: Uncertain significance for Familial thoracic aortic aneurysm and aortic dissection. Last evaluated: 2022-12-05. Review status: criteria provided, single submitter. Criteria: Invitae Variant Classification Sherloc (09022015). Collection method: clinical testing. Allele origin: germline.
Comment: In summary, the available evidence is currently insufficient to determine the role of this variant in disease. Therefore, it has been classified as a Variant of Uncertain Significance. Advanced modeling of protein sequence and biophysical properties (such as structural, functional, and spatial information, amino acid conservation, physicochemical variation, residue mobility, and thermodynamic stability) performed at Invitae indicates that this missense variant is expected to disrupt TGFBR1 protein function. This variant has not been reported in the literature in individuals affected with TGFBR1-related conditions. This variant is not present in population databases (gnomAD no frequency). This sequence change replaces isoleucine, which is neutral and non-polar, with threonine, which is neutral and polar, at codon 201 of the TGFBR1 protein (p.Ile201Thr).